The following is an entry in ClinVar:

NM_001163435.3(TBCK):c.530A>C (p.Lys177Thr)

Gene: TBCK (TBC1 domain containing kinase; minus strand). Cytogenetic location: 4q24.
Variant type: single nucleotide variant.
Coding change: c.530A>C on transcript NM_001163435.3 (MANE Select); coding-DNA position 530, A replaced by C.
Protein change: p.Lys177Thr; replaces lysine 177 with threonine.
Molecular consequence: missense variant. On other transcripts: intron variant (1).
Genome position (GRCh38, 1-based): chr4:106,251,933, T>G on the plus strand (A>C on the coding strand, the complement: TBCK is on the minus strand). VCF-style: chr4-106251933-T-G. GRCh37 (hg19) VCF-style: chr4-107173090-T-G.
Other names: c.341A>C, p.Lys114Thr (NM_033115.5); c.480+50A>C (NM_001163437.3); c.530A>C, p.Lys177Thr (NM_001163436.4); c.14A>C, p.Lys5Thr (NM_001290768.2); short protein forms K114T, K5T, K177T.
Identifiers: ClinVar variation 2104519 (VCV002104519.4), dbSNP rs2478233139, ClinGen allele CA357825509.

ClinVar aggregate classification (germline): Uncertain significance (1 of 4 stars; one submission).

Allele frequency attached by ClinVar (database versions not stated): gnomAD exomes below 0.00001.
gnomAD v4.1: 2 of 1,611,834 alleles (0.00012%); highest among the groups gnomAD compares: Non-Finnish European, 0.00017%; no homozygotes.

Submission:

Labcorp Genetics (formerly Invitae), Labcorp
Classification: Uncertain significance. Last evaluated: 2022-09-19. Review status: criteria provided, single submitter. Criteria: Invitae Variant Classification Sherloc (09022015). Collection method: clinical testing. Allele origin: germline.
Comment: This sequence change replaces lysine, which is basic and polar, with threonine, which is neutral and polar, at codon 177 of the TBCK protein (p.Lys177Thr). This variant is not present in population databases (gnomAD no frequency). This variant has not been reported in the literature in individuals affected with TBCK-related conditions. Advanced modeling of protein sequence and biophysical properties (such as structural, functional, and spatial information, amino acid conservation, physicochemical variation, residue mobility, and thermodynamic stability) performed at Invitae indicates that this missense variant is not expected to disrupt TBCK protein function. In summary, the available evidence is currently insufficient to determine the role of this variant in disease. Therefore, it has been classified as a Variant of Uncertain Significance.